The following is an entry in ClinVar:

NM_024642.5(GALNT12):c.1631C>G (p.Ser544Cys)

Gene: GALNT12 (polypeptide N-acetylgalactosaminyltransferase 12; plus strand). Cytogenetic location: 9q22.33.
Variant type: single nucleotide variant.
Coding change: c.1631C>G on transcript NM_024642.5 (MANE Select); coding-DNA position 1631, C replaced by G.
Protein change: p.Ser544Cys; replaces serine 544 with cysteine.
Molecular consequence: missense variant.
Genome position (GRCh38, 1-based): chr9:98,848,977, C>G. VCF-style: chr9-98848977-C-G. GRCh37 (hg19) VCF-style: chr9-101611259-C-G.
Other names: short protein forms S544C.
Identifiers: ClinVar variation 3852658 (VCV003852658.1).

ClinVar aggregate classification (germline): Uncertain significance (1 of 4 stars; one submission).

Submission:

Ambry Genetics
Classification: Uncertain significance. Last evaluated: 2024-12-22. Review status: criteria provided, single submitter. Criteria: Ambry Variant Classification Scheme 2023. Collection method: clinical testing. Allele origin: germline.
Comment: The p.S544C variant (also known as c.1631C>G), located in coding exon 10 of the GALNT12 gene, results from a C to G substitution at nucleotide position 1631. The serine at codon 544 is replaced by cysteine, an amino acid with dissimilar properties. This amino acid position is conserved. In addition, the in silico prediction for this alteration is inconclusive. Based on the available evidence, the clinical significance of this variant remains unclear.